The following continues an entry in ClinVar:

NM_001142800.2(EYS):c.8648_8655del (p.Thr2883fs)

ClinVar aggregate classification (germline): Pathogenic/Likely pathogenic. Pathogenic (14); Likely pathogenic (1).

Submissions 13 to 18 of 18:

Institute of Human Genetics, Univ. Regensburg, Univ. Regensburg
Classification: Pathogenic for Retinal dystrophy. Last evaluated: 2023-01-01. Review status: criteria provided, single submitter. Criteria: ACMG Guidelines, 2015. Collection method: clinical testing. Allele origin: germline. Affected: yes.

MGZ Medical Genetics Center
Classification: Likely pathogenic for Retinitis pigmentosa 25. Last evaluated: 2022-02-02. Review status: criteria provided, single submitter. Criteria: ACMG Guidelines, 2015. Collection method: clinical testing. Allele origin: germline. Affected: yes. Observed: 1 variant allele.
Comment: ACMG criteria applied: PVS1_STR, PM3, PS4_SUP, PM2_SUP

Ocular Genomics Institute, Massachusetts Eye and Ear
Classification: Pathogenic for Retinitis pigmentosa 25. Last evaluated: 2021-04-08. Review status: criteria provided, single submitter. Criteria: ACMG Guidelines, 2015. Collection method: research. Allele origin: germline. Affected: yes.
Comment: Through a review of available evidence we were able to apply the following criteria: PVS1, PM2, PM3. Based on this evidence we have classified this variant as Pathogenic.

Reproductive Health Research and Development, BGI Genomics
Classification: Pathogenic for Retinitis pigmentosa 25. Last evaluated: 2020-01-06. Review status: no assertion criteria provided. Collection method: curation. Allele origin: germline. Not counted in ClinVar's aggregate classification.
Comment: NM_001142800.1:c.8648_8655delCATGCAGA in the EYS gene has an allele frequency of 0.006 in European (Finnish) subpopulation in the gnomAD database. This sequence change results in a premature translational stop signal in the EYS gene (p.Thr2883Lysfs*4). While this is not anticipated to result in nonsense mediated decay, it is expected to disrupt the last 262 amino acids of the EYS protein. This variant has been observed in a patient with retinitis pigmentosa, in a compound heterozygous state with c.4350_4356del7 (p.K1450KfsX3) (PMID: 20537394). This variant is also known as c.8710_8717del8 (p.T2904KfsX4) in the literature. Taken together, we interprete this variant as Pathogenic/Likely pathogenic. ACMG/AMP Criteria applied: PVS1; PM3; PP4.

Department of Clinical Genetics, Copenhagen University Hospital, Rigshospitalet
Classification: Pathogenic for Retinitis pigmentosa. Last evaluated: 2018-04-01. Review status: no assertion criteria provided. Collection method: research. Allele origin: unknown. Affected: yes. Study: VeluxRD. Not counted in ClinVar's aggregate classification.

Counsyl
Classification: Likely pathogenic for Retinitis pigmentosa 25. Last evaluated: 2017-12-29. Review status: no assertion criteria provided. Collection method: clinical testing. Allele origin: unknown. Not counted in ClinVar's aggregate classification.

Literature cited by the submitters: PubMed 20537394 (cited by 7 submitters); PubMed 22363543 (cited by Labcorp Genetics (formerly Invitae), Labcorp and Ocular Genomics Institute, Massachusetts Eye and Ear); PubMed 33833316 (cited by 3 submitters); PubMed 29068140 (cited by Women's Health and Genetics/Laboratory Corporation of America, LabCorp and Institute of Human Genetics, Univ. Regensburg, Univ. Regensburg); PubMed 31087526 (cited by Women's Health and Genetics/Laboratory Corporation of America, LabCorp); PubMed 29159838 (cited by Institute of Human Genetics, Univ. Regensburg, Univ. Regensburg); PubMed 31964843 (cited by Institute of Human Genetics, Univ. Regensburg, Univ. Regensburg); PubMed 31429209 (cited by Institute of Human Genetics, Univ. Regensburg, Univ. Regensburg); PubMed 32531858 (cited by Institute of Human Genetics, Univ. Regensburg, Univ. Regensburg); PubMed 30718709 (cited by Ocular Genomics Institute, Massachusetts Eye and Ear and Department of Clinical Genetics, Copenhagen University Hospital, Rigshospitalet).